The following is an entry in ClinVar:

ClinVar aggregate classification (germline): Uncertain significance (1 of 4 stars; one submission).

Submission:

GeneDx
Classification: Uncertain significance. Last evaluated: 2019-10-28. Review status: criteria provided, single submitter. Criteria: GeneDx Variant Classification Process June 2021. Collection method: clinical testing. Allele origin: germline. Affected: yes.
Comment: Not observed in large population cohorts (Lek et al., 2016); In silico analysis, which includes protein predictors and evolutionary conservation, supports that this variant does not alter protein structure/function; Has not been previously published as pathogenic or benign to our knowledge

NM_001148.6(ANK2):c.7235C>A (p.Ala2412Glu)

Genes: ANK2 (ankyrin 2; plus strand), LOC126807137 (CDK7 strongly-dependent group 2 enhancer GRCh37_chr4:114276560-114277759; plus strand). Cytogenetic location: 4q26.
Variant type: single nucleotide variant.
Coding change: c.7235C>A on transcript NM_001148.6 (MANE Select); coding-DNA position 7235, C replaced by A.
Protein change: p.Ala2412Glu; replaces alanine 2412 with glutamic acid.
Molecular consequence: missense variant. On other transcripts: intron variant (68).
Genome position (GRCh38, 1-based): chr4:113,355,853, C>A. VCF-style: chr4-113355853-C-A. GRCh37 (hg19) VCF-style: chr4-114277009-C-A.
Other names: c.7001C>A, p.Ala2334Glu (NM_001386142.1); c.3635C>A, p.Ala1212Glu (NM_001386166.1); c.7376C>A, p.Ala2459Glu (NM_001386174.1); c.7352C>A, p.Ala2451Glu (NM_001386175.1); c.4412-4970C>A (NM_001386186.2, NM_001386148.2); c.4214-4970C>A (NM_001354269.3); c.4292-4970C>A (NM_001386187.2); c.4253-4970C>A (NM_001386147.1); and 35 more; short protein forms A1212E, A2334E, A2412E, A2451E, A2459E.
Identifiers: ClinVar variation 1315846 (VCV001315846.2), dbSNP rs2154024316, ClinGen allele CA357929907.